The following is an entry in ClinVar:

ClinVar aggregate classification (germline): Uncertain significance. Review status: criteria provided, single submitter (1 of 4 stars). 2 submissions from 2 submitters: Uncertain significance (1). 1 of the submissions does not count toward it. Last evaluated 2023-10-04.

Conditions:
Dyskeratosis congenita, autosomal dominant 2. Identifiers: MedGen C3151443, MONDO:0013521, OMIM 613989.
Idiopathic Pulmonary Fibrosis. Also called: Idiopathic fibrosing alveolitis, chronic form; idiopathic fibrosing alveolitis. Identifiers: Orphanet 2032, MedGen C1800706, MeSH D054990, MONDO:0800504.
TERT-related disorder. Also called: TERT-related condition; TERT-related disorders.

Allele frequency attached by ClinVar (database versions not stated): ExAC 0.00004; gnomAD exomes below 0.00001.

Submissions (2):

Labcorp Genetics (formerly Invitae), Labcorp
Classification: Uncertain significance for Dyskeratosis congenita, autosomal dominant 2; Idiopathic Pulmonary Fibrosis. Last evaluated: 2023-10-04. Review status: criteria provided, single submitter. Criteria: Invitae Variant Classification Sherloc (09022015). Collection method: clinical testing. Allele origin: germline.
Comment: This sequence change falls in intron 5 of the TERT gene. It does not directly change the encoded amino acid sequence of the TERT protein. It affects a nucleotide within the consensus splice site. The frequency data for this variant in the population databases is considered unreliable, as metrics indicate poor data quality at this position in the gnomAD database. This variant has not been reported in the literature in individuals affected with TERT-related conditions. ClinVar contains an entry for this variant (Variation ID: 1009948). Variants that disrupt the consensus splice site are a relatively common cause of aberrant splicing (PMID: 17576681, 9536098). Algorithms developed to predict the effect of sequence changes on RNA splicing suggest that this variant is not likely to affect RNA splicing. In summary, the available evidence is currently insufficient to determine the role of this variant in disease. Therefore, it has been classified as a Variant of Uncertain Significance.

PreventionGenetics, part of Exact Sciences
Classification: Likely benign for TERT-related condition. Last evaluated: 2023-03-28. Review status: no assertion criteria provided. Collection method: clinical testing. Allele origin: germline. Not counted in ClinVar's aggregate classification.
Comment: This variant is classified as likely benign based on ACMG/AMP sequence variant interpretation guidelines (Richards et al. 2015 PMID: 25741868, with internal and published modifications).

Literature cited by the submitters: PubMed 17576681 (cited by Labcorp Genetics (formerly Invitae), Labcorp); PubMed 9536098 (cited by Labcorp Genetics (formerly Invitae), Labcorp).

NM_198253.3(TERT):c.2130+4G>T

Gene: TERT (telomerase reverse transcriptase; minus strand). Cytogenetic location: 5p15.33.
Variant type: single nucleotide variant.
Coding change: c.2130+4G>T on transcript NM_198253.3 (MANE Select); 4 bases into the intron after coding-DNA position 2130, G replaced by T.
Molecular consequence: intron variant.
Genome position (GRCh38, 1-based): chr5:1,279,287, C>A on the plus strand (G>T on the coding strand, the complement: TERT is on the minus strand). VCF-style: chr5-1279287-C-A. GRCh37 (hg19) VCF-style: chr5-1279402-C-A.
Other names: c.2130+4G>T (NM_198253.2, NM_001193376.3).
Identifiers: ClinVar variation 1009948 (VCV001009948.11), dbSNP rs762332544, ClinGen allele CA3184666.